The following is an entry in ClinVar:

ClinVar aggregate classification (germline): Uncertain significance. Review status: criteria provided, multiple submitters, no conflicts (2 of 4 stars). 7 submissions from 7 submitters: Uncertain significance (7). Last evaluated 2026-07-08.

Conditions:
LZTR1-related schwannomatosis. Also called: Schwannomatosis-2, susceptibility to; Schwannomatosis 2. Identifiers: Orphanet 93921, MedGen C3810283, MONDO:0014299, OMIM 615670.
Hereditary cancer-predisposing syndrome. Also called: Neoplastic Syndromes, Hereditary; Tumor predisposition; Hereditary Cancer Syndrome; Hereditary neoplastic syndrome. Identifiers: Orphanet 140162, MedGen C0027672, MeSH D009386, MONDO:0015356.
Cardiovascular phenotype. Identifiers: MedGen CN230736.

Allele frequency attached by ClinVar (database versions not stated): gnomAD exomes 0.00001; gnomAD 0.00003; TOPMed 0.00001.

Submissions (7):

Ambry Genetics
Classification: Uncertain significance for Cardiovascular phenotype; Hereditary cancer-predisposing syndrome. Last evaluated: 2026-07-08. Review status: criteria provided, single submitter. Criteria: Ambry Variant Classification Scheme 2023. Collection method: clinical testing. Allele origin: germline.

Labcorp Genetics (formerly Invitae), Labcorp
Classification: Uncertain significance. Last evaluated: 2026-01-27. Review status: criteria provided, single submitter. Criteria: Invitae Variant Classification Sherloc (09022015). Collection method: clinical testing. Allele origin: germline.
Comment: This sequence change replaces serine, which is neutral and polar, with isoleucine, which is neutral and non-polar, at codon 330 of the LZTR1 protein (p.Ser330Ile). The frequency data for this variant in the population databases is considered unreliable, as metrics indicate poor data quality at this position in the gnomAD database. This variant has not been reported in the literature in individuals affected with LZTR1-related conditions. ClinVar contains an entry for this variant (Variation ID: 1098763). Invitae Evidence Modeling of protein sequence and biophysical properties (such as structural, functional, and spatial information, amino acid conservation, physicochemical variation, residue mobility, and thermodynamic stability) indicates that this missense variant is not expected to disrupt LZTR1 protein function with a negative predictive value of 80%. In summary, the available evidence is currently insufficient to determine the role of this variant in disease. Therefore, it has been classified as a Variant of Uncertain Significance.

Genomic Medicine Center of Excellence, King Faisal Specialist Hospital and Research Centre
Classification: Uncertain significance for LZTR1-related schwannomatosis. Last evaluated: 2024-03-26. Review status: criteria provided, single submitter. Criteria: ACMG Guidelines, 2015. Collection method: clinical testing. Allele origin: germline.

Baylor Genetics
Classification: Uncertain significance for LZTR1-related schwannomatosis. Last evaluated: 2024-03-03. Review status: criteria provided, single submitter. Criteria: ACMG Guidelines, 2015. Collection method: clinical testing. Allele origin: unknown.

Blueprint Genetics
Classification: Uncertain significance. Last evaluated: 2022-07-14. Review status: criteria provided, single submitter. Criteria: ACMG Guidelines, 2015. Collection method: clinical testing. Allele origin: germline.

Revvity Omics, Revvity
Classification: Uncertain significance. Last evaluated: 2021-08-19. Review status: criteria provided, single submitter. Criteria: ACMG Guidelines, 2015. Collection method: clinical testing. Allele origin: germline.

Women's Health and Genetics/Laboratory Corporation of America, LabCorp
Classification: Uncertain significance. Last evaluated: 2021-05-02. Review status: criteria provided, single submitter. Criteria: LabCorp Variant Classification Summary - May 2015. Collection method: clinical testing. Allele origin: germline.
Comment: Variant summary: LZTR1 c.989G>T (p.Ser330Ile) results in a non-conservative amino acid change in the encoded protein sequence. Four of five in-silico tools predict a damaging effect of the variant on protein function. The variant allele was found at a frequency of 6.5e-06 in 154000 control chromosomes. The available data on variant occurrences in the general population are insufficient to allow any conclusion about variant significance. To our knowledge, no occurrence of c.989G>T in individuals affected with Noonan Syndrome and no experimental evidence demonstrating its impact on protein function have been reported. No clinical diagnostic laboratories have submitted clinical-significance assessments for this variant to ClinVar after 2014. Based on the evidence outlined above, the variant was classified as uncertain significance.

NM_006767.4(LZTR1):c.989G>T (p.Ser330Ile)

Gene: LZTR1 (leucine zipper like post translational regulator 1; plus strand). Cytogenetic location: 22q11.21.
Variant type: single nucleotide variant.
Coding change: c.989G>T on transcript NM_006767.4 (MANE Select); coding-DNA position 989, G replaced by T.
Protein change: p.Ser330Ile; replaces serine 330 with isoleucine.
Molecular consequence: missense variant.
Genome position (GRCh38, 1-based): chr22:20,991,825, G>T. VCF-style: chr22-20991825-G-T. GRCh37 (hg19) VCF-style: chr22-21346114-G-T.
Other names: short protein forms S330I.
Identifiers: ClinVar variation 1098763 (VCV001098763.18), dbSNP rs376331457, ClinGen allele CA322327468.